The following is an entry in ClinVar:

ClinVar aggregate classification (germline): Benign (0 of 4 stars; one submission).

Conditions:
CASP12-related disorder. Also called: CASP12-related condition.

Allele frequency attached by ClinVar (database versions not stated): gnomAD exomes 0.00179; ExAC 0.00881; TOPMed 0.00967; 1000 Genomes Project 0.01418; 1000 Genomes Project 30x 0.01468.

Submissions (4):

PreventionGenetics, part of Exact Sciences
Classification: Benign for CASP12-related condition. Last evaluated: 2020-02-26. Review status: no assertion criteria provided. Collection method: clinical testing. Allele origin: germline.
Comment: This variant is classified as benign based on ACMG/AMP sequence variant interpretation guidelines (Richards et al. 2015 PMID: 25741868, with internal and published modifications).

Dr. Peter K. Rogan Lab, Western University
No classification provided (evidence only). Condition: Uterine corpus endometrial carcinoma. Review status: no classification provided. Collection method: in vitro. Allele origin: not applicable. Functional consequence: retained intron. Not counted in ClinVar's aggregate classification.

Dr. Peter K. Rogan Lab, Western University
No classification provided (evidence only). Condition: Uterine corpus endometrial carcinoma. Review status: no classification provided. Collection method: in vitro. Allele origin: not applicable. Functional consequence: retained intron. Not counted in ClinVar's aggregate classification.

Dr. Peter K. Rogan Lab, Western University
No classification provided (evidence only). Condition: Thymoma. Review status: no classification provided. Collection method: in vitro. Allele origin: not applicable. Functional consequence: skipped exon, retained intron. Not counted in ClinVar's aggregate classification.

NM_001191016.3(CASP12):c.643A>G (p.Ile215Val)

Gene: CASP12 (caspase 12 (gene/pseudogene); minus strand). Cytogenetic location: 11q22.3.
Variant type: single nucleotide variant.
Coding change: c.643A>G on transcript NM_001191016.3 (MANE Select); coding-DNA position 643, A replaced by G.
Protein change: p.Ile215Val; replaces isoleucine 215 with valine.
Molecular consequence: missense variant. On other transcripts: non-coding transcript variant (3).
Genome position (GRCh38, 1-based): chr11:104,891,194, T>C on the plus strand (A>G on the coding strand, the complement: CASP12 is on the minus strand). VCF-style: chr11-104891194-T-C. GRCh37 (hg19) VCF-style: chr11-104761921-T-C.
Other names: NC_000011.9:g.104761921T>C; c.643A>G (NM_001191016.1); short protein forms I215V.
Identifiers: ClinVar variation 3057055 (VCV003057055.3), dbSNP rs115100183, ClinGen allele CA6256358.